The following is an entry in ClinVar:

ClinVar aggregate classification (germline): Uncertain significance (1 of 4 stars; one submission).

Submission:

GeneDx
Classification: Uncertain significance. Last evaluated: 2024-06-18. Review status: criteria provided, single submitter. Criteria: GeneDx Variant Classification Process June 2021. Collection method: clinical testing. Allele origin: germline. Affected: yes.
Comment: Not observed at significant frequency in large population cohorts (gnomAD); In silico analysis supports that this missense variant has a deleterious effect on protein structure/function; Has not been previously published as pathogenic or benign to our knowledge

NM_032108.4(SEMA6B):c.713G>T (p.Gly238Val)

Gene: SEMA6B (semaphorin 6B; minus strand). Cytogenetic location: 19p13.3.
Variant type: single nucleotide variant.
Coding change: c.713G>T on transcript NM_032108.4 (MANE Select); coding-DNA position 713, G replaced by T.
Protein change: p.Gly238Val; replaces glycine 238 with valine.
Molecular consequence: missense variant.
Genome position (GRCh38, 1-based): chr19:4,554,446, C>A on the plus strand (G>T on the coding strand, the complement: SEMA6B is on the minus strand). VCF-style: chr19-4554446-C-A. GRCh37 (hg19) VCF-style: chr19-4554458-C-A.
Other names: short protein forms G238V.
Identifiers: ClinVar variation 3391649 (VCV003391649.1).